The following is an entry in ClinVar:

NM_024577.4(SH3TC2):c.3287A>G (p.Asn1096Ser)

Gene: SH3TC2 (SH3 domain and tetratricopeptide repeats 2; minus strand). Cytogenetic location: 5q32.
Variant type: single nucleotide variant.
Coding change: c.3287A>G on transcript NM_024577.4 (MANE Select); coding-DNA position 3287, A replaced by G.
Protein change: p.Asn1096Ser; replaces asparagine 1096 with serine.
Molecular consequence: missense variant.
Genome position (GRCh38, 1-based): chr5:149,010,310, T>C on the plus strand (A>G on the coding strand, the complement: SH3TC2 is on the minus strand). VCF-style: chr5-149010310-T-C. GRCh37 (hg19) VCF-style: chr5-148389873-T-C.
Other names: c.3287A>G (NM_024577.3); short protein forms N1096S.
Identifiers: ClinVar variation 1060757 (VCV001060757.11), dbSNP rs768331573, ClinGen allele CA3498795.

ClinVar aggregate classification (germline): Conflicting classifications of pathogenicity. Review status: criteria provided, conflicting classifications (1 of 4 stars). 3 submissions from 3 submitters: Uncertain significance (2); Likely benign (1). Last evaluated 2026-08-31.

Conditions:
Charcot-Marie-Tooth disease type 4. Also called: Charcot-Marie-Tooth disease, type IV; Charcot-Marie-Tooth, Type 4. Identifiers: Orphanet 64749, MedGen C4082197, MONDO:0018995.
SH3TC2-related disorder. Also called: SH3TC2-related condition; SH3TC2-related disorders. Identifiers: MedGen CN239303.
Inborn genetic diseases. Identifiers: MedGen C0950123, MeSH D030342.

Allele frequency attached by ClinVar (database versions not stated): ExAC 0.00002; gnomAD exomes 0.00002 and 0.00005; TOPMed 0.00005; gnomAD 0.00006 and 0.00007.
gnomAD v4.1: 43 of 1,614,054 alleles (0.0027%); highest among the groups gnomAD compares: East Asian, 0.011%; no homozygotes.

Submissions (3):

PreventionGenetics, part of Exact Sciences
Classification: Uncertain significance for SH3TC2-related condition. Last evaluated: 2026-08-31. Review status: criteria provided, single submitter. Criteria: ACMG Guidelines, 2015. Collection method: clinical testing. Allele origin: germline.
Comment: The SH3TC2 c.3287A>G variant is predicted to result in the amino acid substitution p.Asn1096Ser. To our knowledge, this variant has not been reported in the literature. This variant is reported in 0.030% of alleles in individuals of East Asian descent in gnomAD. At this time, the clinical significance of this variant is uncertain due to the absence of conclusive functional and genetic evidence.

Labcorp Genetics (formerly Invitae), Labcorp
Classification: Likely benign for Charcot-Marie-Tooth disease type 4. Last evaluated: 2025-09-25. Review status: criteria provided, single submitter. Criteria: Invitae Variant Classification Sherloc (09022015). Collection method: clinical testing. Allele origin: germline.

Ambry Genetics
Classification: Uncertain significance for Inborn genetic diseases. Last evaluated: 2023-01-10. Review status: criteria provided, single submitter. Criteria: Ambry Variant Classification Scheme 2023. Collection method: clinical testing. Allele origin: germline.